The following is an entry in ClinVar:

NM_001272046.2(VWA2):c.1096G>A (p.Val366Met)

Genes: AFAP1L2 (actin filament associated protein 1 like 2; minus strand), VWA2 (von Willebrand factor A domain containing 2; plus strand). Cytogenetic location: 10q25.3.
Variant type: single nucleotide variant.
Coding change: c.1096G>A on transcript NM_001272046.2 (MANE Select); coding-DNA position 1096, G replaced by A.
Protein change: p.Val366Met; replaces valine 366 with methionine.
Molecular consequence: missense variant.
Genome position (GRCh38, 1-based): chr10:114,286,037, G>A. VCF-style: chr10-114286037-G-A. GRCh37 (hg19) VCF-style: chr10-116045796-G-A.
Other names: c.1096G>A, p.Val366Met (NM_001320804.1); short protein forms V366M.
Identifiers: ClinVar variation 774687 (VCV000774687.18), dbSNP rs79009215, ClinGen allele CA5700584.

ClinVar aggregate classification (germline): Benign. Review status: criteria provided, multiple submitters, no conflicts (2 of 4 stars). 3 submissions from 3 submitters: Benign (3). Last evaluated 2024-12-01.

Allele frequency attached by ClinVar (database versions not stated): 1000 Genomes Project 30x 0.00578; 1000 Genomes Project 0.00659; TOPMed 0.00836; gnomAD 0.00931 and 0.00948; ESP Exome Variant Server 0.00984.
gnomAD v4.1: 19,842 of 1,614,142 alleles (1.2%); highest among the groups gnomAD compares: Non-Finnish European, 1.4%; 154 homozygotes.

Submissions (3):

CeGaT Center for Human Genetics Tuebingen
Classification: Benign. Last evaluated: 2024-12-01. Review status: criteria provided, single submitter. Criteria: CeGaT Center For Human Genetics Tuebingen Variant Classification Criteria Version 2. Collection method: clinical testing. Allele origin: germline. Affected: yes. Observed: 1 variant allele.
Comment: VWA2: BP4, BS1, BS2

Labcorp Genetics (formerly Invitae), Labcorp
Classification: Benign. Last evaluated: 2019-12-31. Review status: criteria provided, single submitter. Criteria: Invitae Variant Classification Sherloc (09022015). Collection method: clinical testing. Allele origin: germline.

Breakthrough Genomics
Classification: Benign. Review status: criteria provided, single submitter. Criteria: ACMG Guidelines, 2015. Collection method: not provided. Allele origin: germline. Inheritance: Unknown mechanism. Affected: yes.